The following is an entry in ClinVar:

NM_005862.3(STAG1):c.3655A>T (p.Thr1219Ser)

Gene: STAG1 (STAG1 cohesin complex component; minus strand). Cytogenetic location: 3q22.3.
Variant type: single nucleotide variant.
Coding change: c.3655A>T on transcript NM_005862.3 (MANE Select); coding-DNA position 3655, A replaced by T.
Protein change: p.Thr1219Ser; replaces threonine 1219 with serine.
Molecular consequence: missense variant.
Genome position (GRCh38, 1-based): chr3:136,340,508, T>A on the plus strand (A>T on the coding strand, the complement: STAG1 is on the minus strand). VCF-style: chr3-136340508-T-A. GRCh37 (hg19) VCF-style: chr3-136059350-T-A.
Other names: short protein forms T1219S.
Identifiers: ClinVar variation 3361927 (VCV003361927.2).

ClinVar aggregate classification (germline): Uncertain significance (1 of 4 stars; one submission).

gnomAD v4.1: 2 of 1,606,402 alleles (0.00012%); highest among the groups gnomAD compares: African/African-American, 0.0027%; no homozygotes.

Submission:

GeneDx
Classification: Uncertain significance. Last evaluated: 2025-11-02. Review status: criteria provided, single submitter. Criteria: GeneDx Variant Classification Process June 2021. Collection method: clinical testing. Allele origin: germline.
Comment: Not observed at significant frequency in large population cohorts (gnomAD); In silico analysis suggests that this missense variant does not alter protein structure/function; Has not been previously published as pathogenic or benign to our knowledge